The following is an entry in ClinVar:

ClinVar aggregate classification (germline): Uncertain significance (1 of 4 stars; one submission).

Conditions:
Cardiovascular phenotype. Identifiers: MedGen CN230736.

Submission:

Ambry Genetics
Classification: Uncertain significance for Cardiovascular phenotype. Last evaluated: 2026-03-09. Review status: criteria provided, single submitter. Criteria: Ambry Variant Classification Scheme 2023. Collection method: clinical testing. Allele origin: germline.
Comment: The p.P919S variant (also known as c.2755C>T), located in coding exon 19 of the VCL gene, results from a C to T substitution at nucleotide position 2755. The proline at codon 919 is replaced by serine, an amino acid with similar properties. This amino acid position is conserved. In addition, this alteration is predicted to be tolerated by in silico analysis. Based on the available evidence, the clinical significance of this variant remains unclear.

NM_014000.3(VCL):c.2755C>T (p.Pro919Ser)

Gene: VCL (vinculin; plus strand). Cytogenetic location: 10q22.2.
Variant type: single nucleotide variant.
Coding change: c.2755C>T on transcript NM_014000.3 (MANE Select); coding-DNA position 2755, C replaced by T.
Protein change: p.Pro919Ser; replaces proline 919 with serine.
Molecular consequence: missense variant. On other transcripts: intron variant (1).
Genome position (GRCh38, 1-based): chr10:74,111,918, C>T. VCF-style: chr10-74111918-C-T. GRCh37 (hg19) VCF-style: chr10-75871676-C-T.
Other names: c.2746-2266C>T (NM_003373.4); short protein forms P919S.
Identifiers: ClinVar variation 4826762 (VCV004826762.1).